The following is an entry in ClinVar:

ClinVar aggregate classification (germline): Likely benign (1 of 4 stars; one submission).

Submission:

GeneDx
Classification: Likely benign. Last evaluated: 2019-06-27. Review status: criteria provided, single submitter. Criteria: GeneDx Variant Classification Process June 2021. Collection method: clinical testing. Allele origin: germline. Affected: yes.
Comment: See Variant Classification Assertion Criteria.

NM_001018115.3(FANCD2):c.*143dup

Genes: FANCD2 (FA complementation group D2; plus strand), FANCD2OS (FANCD2 opposite strand; minus strand). Cytogenetic location: 3p25.3.
Variant type: Duplication.
Coding change: c.*143dup on transcript NM_001018115.3 (MANE Select); 143 bases downstream of the stop codon, one base duplicated (A; older notation c.*143dupA).
Molecular consequence: 3 prime UTR variant. On other transcripts: intron variant (1).
Genome position (GRCh38, 1-based): chr3:10,101,405, A duplicated; the last of 3 consecutive A bases (chr3:10,101,403-10,101,405); duplicating any one gives the same sequence. VCF-style (leftmost placement, unchanged base first): chr3-10101402-T-TA. GRCh37 (hg19) VCF-style: chr3-10143086-T-TA.
Other names: c.*143dup (NM_001319984.2, NM_001374253.1); c.*43+2795dup (NM_173472.2).
Identifiers: ClinVar variation 1691758 (VCV001691758.2), dbSNP rs138111025, ClinGen allele CA70041338.
Genomic context (GRCh38, chr3:10,101,402, plus strand): 5'-TGCCTTTCTTACTGGTAGGATCCTTTTTTGTTCCTCTTTTTTTTTTTTTTTTTTTTTTTT[T>TA]AAAGACGGGGACTCGCTGTGTTTCCCAGGCTGGAGTGCAGTGCTGCAATCTTGGCTCACT-3'